The following is an entry in ClinVar:

ClinVar aggregate classification (germline): Conflicting classifications of pathogenicity. Review status: criteria provided, conflicting classifications (1 of 4 stars). 3 submissions from 3 submitters: Uncertain significance (2); Likely benign (1). Last evaluated 2025-12-15.

Conditions:
COL6A3-related disorder. Also called: COL6A3-related disorders; COL6A3-related condition.
Bethlem myopathy 1A. Also called: Bethlem Muscular Dystrophy; MYOPATHY, BENIGN CONGENITAL, WITH CONTRACTURES; Bethlem myopathy 1. Identifiers: Orphanet 610, MedGen CN029274, MONDO:0024530, OMIM 158810.

Allele frequency attached by ClinVar (database versions not stated): gnomAD exomes 0.00002 and 0.00001; TOPMed 0.00002; gnomAD 0.00003; ExAC 0.00002.

Submissions (3):

Labcorp Genetics (formerly Invitae), Labcorp
Classification: Likely benign for Bethlem myopathy 1A. Last evaluated: 2025-12-15. Review status: criteria provided, single submitter. Criteria: Invitae Variant Classification Sherloc (09022015). Collection method: clinical testing. Allele origin: germline.

PreventionGenetics, part of Exact Sciences
Classification: Uncertain significance for COL6A3-related condition. Last evaluated: 2023-05-23. Review status: criteria provided, single submitter. Criteria: ACMG Guidelines, 2015. Collection method: clinical testing. Allele origin: germline.
Comment: The COL6A3 c.2998C>T variant is predicted to result in the amino acid substitution p.Pro1000Ser. To our knowledge, this variant has not been reported in the literature. This variant is reported in 0.0031% of alleles in individuals of European (Non-Finnish) descent in gnomAD. At this time, the clinical significance of this variant is uncertain due to the absence of conclusive functional and genetic evidence.

Revvity Omics, Revvity
Classification: Uncertain significance. Last evaluated: 2022-05-04. Review status: criteria provided, single submitter. Criteria: ACMG Guidelines, 2015. Collection method: clinical testing. Allele origin: germline.

NM_004369.4(COL6A3):c.2998C>T (p.Pro1000Ser)

Gene: COL6A3 (collagen type VI alpha 3 chain; minus strand). Cytogenetic location: 2q37.3.
Variant type: single nucleotide variant.
Coding change: c.2998C>T on transcript NM_004369.4 (MANE Select); coding-DNA position 2998, C replaced by T.
Protein change: p.Pro1000Ser; replaces proline 1000 with serine.
Molecular consequence: missense variant.
Genome position (GRCh38, 1-based): chr2:237,376,844, G>A on the plus strand (C>T on the coding strand, the complement: COL6A3 is on the minus strand). VCF-style: chr2-237376844-G-A. GRCh37 (hg19) VCF-style: chr2-238285487-G-A.
Other names: c.1777C>T, p.Pro593Ser (NM_057164.5); c.2380C>T, p.Pro794Ser (NM_057165.5, NM_057167.4); c.1177C>T, p.Pro393Ser (NM_057166.5); c.2998C>T (NM_004369.3); short protein forms P794S, P1000S, P393S, P593S.
Identifiers: ClinVar variation 1046122 (VCV001046122.12), dbSNP rs762584015, ClinGen allele CA2189273.
Genomic context (GRCh38, chr2:237,376,844, plus strand): 5'-CTCCGTTGTGCACTGATTTTAAGAGATTCACTATCTGTGGATGAAGATCTCCAATCTTGG[G>A]AAGCGACTCTGCAGCCAGGATAAACGCTGGAGACAGCACGATCTGCTCTAACTCAGCAGG-3'
Protein context (NP_004360.2, residues 990-1010): PAFILAAESL[Pro1000Ser]KIGDLHPQIV